The following is an entry in ClinVar:

ClinVar aggregate classification (germline): Pathogenic (1 of 4 stars; one submission).

Submission:

Medical Genetic Center, Changzhi Maternal and Child Health Care Hospital
Classification: Pathogenic. Last evaluated: 2025-12-10. Review status: criteria provided, single submitter. Criteria: ACMG/ClinGen CNV Guidelines, 2019. Collection method: clinical testing. Allele origin: unknown.
Comment: 2A:22q11.2 recurrent (DGS/VCFS) region (proximal, A-D) (includes TBX1)

GRCh38/hg38 22q11.21(chr22:18929330-21110475)x1

Genes: AIFM3 (AIF family member 3; plus strand), ARVCF (ARVCF delta catenin family member; minus strand), C22orf39 (chromosome 22 open reading frame 39; minus strand), CCDC188 (coiled-coil domain containing 188; minus strand), CDC45 (cell division cycle 45; plus strand) and 171 more. Cytogenetic location: 22q11.21.
Variant type: copy number loss.
Change: copy number 1 (one copy instead of two) of chr22:18,929,330-21,110,475 (2.18 Mb, GRCh38 coordinates, 1-based), cytogenetic band 22q11.21.
Identifiers: ClinVar variation 4796185 (VCV004796185.1).